The following is an entry in ClinVar:

ClinVar aggregate classification (germline): Uncertain significance (1 of 4 stars; one submission).

Allele frequency attached by ClinVar (database versions not stated): gnomAD 0.00001; TOPMed 0.00002; ExAC 0.00003.
gnomAD v4.1: 32 of 1,613,760 alleles (0.002%); highest among the groups gnomAD compares: Middle Eastern, 0.016%; no homozygotes.

Submission:

Labcorp Genetics (formerly Invitae), Labcorp
Classification: Uncertain significance. Last evaluated: 2023-11-24. Review status: criteria provided, single submitter. Criteria: Invitae Variant Classification Sherloc (09022015). Collection method: clinical testing. Allele origin: germline.
Comment: This sequence change replaces arginine, which is basic and polar, with histidine, which is basic and polar, at codon 459 of the ATP6V1A protein (p.Arg459His). This variant is present in population databases (rs774063945, gnomAD 0.007%). This variant has not been reported in the literature in individuals affected with ATP6V1A-related conditions. Advanced modeling of protein sequence and biophysical properties (such as structural, functional, and spatial information, amino acid conservation, physicochemical variation, residue mobility, and thermodynamic stability) performed at Invitae indicates that this missense variant is not expected to disrupt ATP6V1A protein function with a negative predictive value of 80%. In summary, the available evidence is currently insufficient to determine the role of this variant in disease. Therefore, it has been classified as a Variant of Uncertain Significance.

NM_001690.4(ATP6V1A):c.1376G>A (p.Arg459His)

Gene: ATP6V1A (ATPase H+ transporting V1 subunit A; plus strand). Cytogenetic location: 3q13.31.
Variant type: single nucleotide variant.
Coding change: c.1376G>A on transcript NM_001690.4 (MANE Select); coding-DNA position 1376, G replaced by A.
Protein change: p.Arg459His; replaces arginine 459 with histidine.
Molecular consequence: missense variant.
Genome position (GRCh38, 1-based): chr3:113,798,328, G>A. VCF-style: chr3-113798328-G-A. GRCh37 (hg19) VCF-style: chr3-113517175-G-A.
Other names: short protein forms R459H.
Identifiers: ClinVar variation 2959314 (VCV002959314.3), dbSNP rs774063945, ClinGen allele CA2548042.